The following is an entry in ClinVar:

NM_001182.5(ALDH7A1):c.1244C>T (p.Thr415Ile)

Gene: ALDH7A1 (aldehyde dehydrogenase 7 family member A1; minus strand). Cytogenetic location: 5q23.2.
Variant type: single nucleotide variant.
Coding change: c.1244C>T on transcript NM_001182.5 (MANE Select); coding-DNA position 1244, C replaced by T.
Protein change: p.Thr415Ile; replaces threonine 415 with isoleucine.
Molecular consequence: missense variant.
Genome position (GRCh38, 1-based): chr5:126,552,094, G>A on the plus strand (C>T on the coding strand, the complement: ALDH7A1 is on the minus strand). VCF-style: chr5-126552094-G-A. GRCh37 (hg19) VCF-style: chr5-125887786-G-A.
Other names: c.1160C>T, p.Thr387Ile (NM_001201377.2); c.1052C>T, p.Thr351Ile (NM_001202404.2); short protein forms T351I, T387I, T415I.
Identifiers: ClinVar variation 837634 (VCV000837634.12), dbSNP rs751898560, ClinGen allele CA126886652.
Genomic context (GRCh38, chr5:126,552,094, plus strand): 5'-ACATAGAGAATCGGAGCAAAAGTCTCTGTGTGTGCAATGGACGCATCGTGGCCAAGACCT[G>A]TCACAATTGTCGGTTCTACATAATTTCCAGGGCGATCCATAACCTAATGCAGAGAAATGA-3'
Protein context (NP_001173.2, residues 405-425): PGNYVEPTIV[Thr415Ile]GLGHDASIAH

ClinVar aggregate classification (germline): Uncertain significance. Review status: criteria provided, multiple submitters, no conflicts (2 of 4 stars). 3 submissions from 3 submitters: Uncertain significance (3). Last evaluated 2024-01-22.

Conditions:
Inborn genetic diseases. Identifiers: MedGen C0950123, MeSH D030342.
Pyridoxine-dependent epilepsy (EPEO4). Also called: Pyridoxine-Dependent Epilepsy - ALDH7A1; EPILEPSY, EARLY-ONSET, 4, VITAMIN B6-DEPENDENT; PYRIDOXINE DEPENDENCY WITH SEIZURES; Pyridoxine-Dependent Seizures. Identifiers: Orphanet 3006, MedGen C1849508, MONDO:0009945, OMIM 266100. Disease mechanism: loss of function.

Allele frequency attached by ClinVar (database versions not stated): gnomAD 0.00001; TOPMed 0.00001.
gnomAD v4.1: 8 of 1,613,922 alleles (0.0005%); highest among the groups gnomAD compares: Non-Finnish European, 0.00068%; no homozygotes.

Submissions (3):

Labcorp Genetics (formerly Invitae), Labcorp
Classification: Uncertain significance for Pyridoxine-dependent epilepsy. Last evaluated: 2024-01-22. Review status: criteria provided, single submitter. Criteria: Invitae Variant Classification Sherloc (09022015). Collection method: clinical testing. Allele origin: germline.
Comment: This sequence change replaces threonine, which is neutral and polar, with isoleucine, which is neutral and non-polar, at codon 415 of the ALDH7A1 protein (p.Thr415Ile). This variant is not present in population databases (gnomAD no frequency). This variant has not been reported in the literature in individuals affected with ALDH7A1-related conditions. ClinVar contains an entry for this variant (Variation ID: 837634). Advanced modeling of protein sequence and biophysical properties (such as structural, functional, and spatial information, amino acid conservation, physicochemical variation, residue mobility, and thermodynamic stability) has been performed at Invitae for this missense variant, however the output from this modeling did not meet the statistical confidence thresholds required to predict the impact of this variant on ALDH7A1 protein function. In summary, the available evidence is currently insufficient to determine the role of this variant in disease. Therefore, it has been classified as a Variant of Uncertain Significance.

Genome-Nilou Lab
Classification: Uncertain significance for Pyridoxine-dependent epilepsy. Last evaluated: 2023-04-11. Review status: criteria provided, single submitter. Criteria: ACMG Guidelines, 2015. Collection method: clinical testing. Allele origin: germline. Affected: no.

Ambry Genetics
Classification: Uncertain significance for Inborn genetic diseases. Last evaluated: 2020-03-17. Review status: criteria provided, single submitter. Criteria: Ambry Variant Classification Scheme 2023. Collection method: clinical testing. Allele origin: germline.
Comment: The p.T415I variant (also known as c.1244C>T), located in coding exon 14 of the ALDH7A1 gene, results from a C to T substitution at nucleotide position 1244. The threonine at codon 415 is replaced by isoleucine, an amino acid with similar properties. This amino acid position is highly conserved in available vertebrate species. In addition, the in silico prediction for this alteration is inconclusive. Since supporting evidence is limited at this time, the clinical significance of this alteration remains unclear.